The following is an entry in ClinVar:

NM_015164.4(PLEKHM2):c.394A>C (p.Ser132Arg)

Gene: PLEKHM2 (pleckstrin homology and RUN domain containing M2; plus strand). Cytogenetic location: 1p36.21.
Variant type: single nucleotide variant.
Coding change: c.394A>C on transcript NM_015164.4 (MANE Select); coding-DNA position 394, A replaced by C.
Protein change: p.Ser132Arg; replaces serine 132 with arginine.
Molecular consequence: missense variant.
Genome position (GRCh38, 1-based): chr1:15,718,554, A>C. VCF-style: chr1-15718554-A-C. GRCh37 (hg19) VCF-style: chr1-16045049-A-C.
Other names: c.394A>C, p.Ser132Arg (NM_001410755.1); short protein forms S132R.
Identifiers: ClinVar variation 2709771 (VCV002709771.3), dbSNP rs2522393582, ClinGen allele CA338579534.

ClinVar aggregate classification (germline): Uncertain significance (1 of 4 stars; one submission).

Submission:

Labcorp Genetics (formerly Invitae), Labcorp
Classification: Uncertain significance. Last evaluated: 2024-01-17. Review status: criteria provided, single submitter. Criteria: Invitae Variant Classification Sherloc (09022015). Collection method: clinical testing. Allele origin: germline.
Comment: This sequence change replaces serine, which is neutral and polar, with arginine, which is basic and polar, at codon 132 of the PLEKHM2 protein (p.Ser132Arg). This variant is not present in population databases (gnomAD no frequency). This variant has not been reported in the literature in individuals affected with PLEKHM2-related conditions. An algorithm developed to predict the effect of missense changes on protein structure and function (PolyPhen-2) suggests that this variant is likely to be tolerated. In summary, the available evidence is currently insufficient to determine the role of this variant in disease. Therefore, it has been classified as a Variant of Uncertain Significance.